The following is an entry in ClinVar:

ClinVar aggregate classification (germline): Benign. Review status: criteria provided, multiple submitters, no conflicts (2 of 4 stars). 3 submissions from 3 submitters: Benign (2). 1 of the submissions does not count toward it. Last evaluated 2018-02-26.

Conditions:
EXO1-related disorder. Also called: EXO1-related condition.

Allele frequency attached by ClinVar (database versions not stated): TOPMed 0.00737; gnomAD exomes 0.00175 and 0.00066; ESP Exome Variant Server 0.00654; ExAC 0.00207; gnomAD 0.00726; 1000 Genomes Project 30x 0.00828; 1000 Genomes Project 0.00859.

Submissions (3):

Labcorp Genetics (formerly Invitae), Labcorp
Classification: Benign. Last evaluated: 2018-02-26. Review status: criteria provided, single submitter. Criteria: Invitae Variant Classification Sherloc (09022015). Collection method: clinical testing. Allele origin: germline.

Breakthrough Genomics
Classification: Benign. Review status: criteria provided, single submitter. Criteria: ACMG Guidelines, 2015. Collection method: not provided. Allele origin: germline. Inheritance: Unknown mechanism. Affected: yes.

PreventionGenetics, part of Exact Sciences
Classification: Benign for EXO1-related condition. Last evaluated: 2019-07-12. Review status: no assertion criteria provided. Collection method: clinical testing. Allele origin: germline. Not counted in ClinVar's aggregate classification.
Comment: This variant is classified as benign based on ACMG/AMP sequence variant interpretation guidelines (Richards et al. 2015 PMID: 25741868, with internal and published modifications).

NM_130398.4(EXO1):c.226G>A (p.Val76Ile)

Gene: EXO1 (exonuclease 1; plus strand). Cytogenetic location: 1q43.
Variant type: single nucleotide variant.
Coding change: c.226G>A on transcript NM_130398.4 (MANE Select); coding-DNA position 226, G replaced by A.
Protein change: p.Val76Ile; replaces valine 76 with isoleucine.
Molecular consequence: missense variant.
Genome position (GRCh38, 1-based): chr1:241,852,356, G>A. VCF-style: chr1-241852356-G-A. GRCh37 (hg19) VCF-style: chr1-242015658-G-A.
Other names: c.226G>A, p.Val76Ile (NM_006027.4, NM_001319224.2, NM_003686.4); c.226G>A (NM_130398.3); short protein forms V76I.
Identifiers: ClinVar variation 784980 (VCV000784980.6), dbSNP rs4149864, ClinGen allele CA1480942.